The following is an entry in ClinVar:

ClinVar aggregate classification (germline): Uncertain significance (1 of 4 stars; one submission).

Conditions:
Hyperphosphatasia with intellectual disability syndrome 5 (GPIBD11). Also called: GLYCOSYLPHOSPHATIDYLINOSITOL BIOSYNTHESIS DEFECT 11. Identifiers: Orphanet 247262, MedGen C4014958, MONDO:0014457, OMIM 616025.

Allele frequency attached by ClinVar (database versions not stated): gnomAD exomes below 0.00001.
gnomAD v4.1: 2 of 1,614,054 alleles (0.00012%); highest among the groups gnomAD compares: South Asian, 0.0011%; no homozygotes.

Submission:

Labcorp Genetics (formerly Invitae), Labcorp
Classification: Uncertain significance for Hyperphosphatasia with intellectual disability syndrome 5. Last evaluated: 2022-01-27. Review status: criteria provided, single submitter. Criteria: Invitae Variant Classification Sherloc (09022015). Collection method: clinical testing. Allele origin: germline.
Comment: This sequence change replaces alanine, which is neutral and non-polar, with serine, which is neutral and polar, at codon 146 of the PIGW protein (p.Ala146Ser). This variant is not present in population databases (gnomAD no frequency). This variant has not been reported in the literature in individuals affected with PIGW-related conditions. Algorithms developed to predict the effect of missense changes on protein structure and function (SIFT, PolyPhen-2, Align-GVGD) all suggest that this variant is likely to be disruptive. In summary, the available evidence is currently insufficient to determine the role of this variant in disease. Therefore, it has been classified as a Variant of Uncertain Significance.

NM_001346754.2(PIGW):c.436G>T (p.Ala146Ser)

Genes: MYO19 (myosin XIX; minus strand), PIGW (phosphatidylinositol glycan anchor biosynthesis class W; plus strand). Cytogenetic location: 17q12.
Variant type: single nucleotide variant.
Coding change: c.436G>T on transcript NM_001346754.2 (MANE Select); coding-DNA position 436, G replaced by T.
Protein change: p.Ala146Ser; replaces alanine 146 with serine.
Molecular consequence: missense variant.
Genome position (GRCh38, 1-based): chr17:36,537,537, G>T. VCF-style: chr17-36537537-G-T. GRCh37 (hg19) VCF-style: chr17-34893386-G-T.
Other names: c.436G>T, p.Ala146Ser (NM_001346755.2, NM_178517.5); short protein forms A146S.
Identifiers: ClinVar variation 2088758 (VCV002088758.1), dbSNP rs2510227013, ClinGen allele CA399162669.